The following is an entry in ClinVar:

NM_000390.4(CHM):c.1358_1359delinsG (p.Ile452_Ser453insTer)

Gene: CHM (CHM Rab escort protein; minus strand). Cytogenetic location: Xq21.2.
Variant type: Indel.
Coding change: c.1358_1359delinsG on transcript NM_000390.4 (MANE Select); coding-DNA positions 1358 to 1359, CC replaced by G.
Protein change: p.Ile452_Ser453insTer.
Molecular consequence: nonsense.
Genome position (GRCh38, 1-based): chrX:85,900,700-85,900,701, GG replaced by C on the plus strand (CC replaced by G on the coding strand, the reverse complement: CHM is on the minus strand). VCF-style: chrX-85900700-GG-C. GRCh37 (hg19) VCF-style: chrX-85155705-GG-C.
Other names: c.914_915delinsG, p.Ile304_Ser305insTer (NM_001320959.1, NM_001362517.1, NM_001362518.2 and 1 more transcripts).
Identifiers: ClinVar variation 866313 (VCV000866313.9), dbSNP rs1926208868, ClinGen allele CA916082496.
Genomic context (GRCh38, chrX:85,900,700, plus strand): 5'-ATTTACCTGTTGATCTGAATCTGTTTTTAGGACAGATCTATCTGTAATCAGCACTGCCCT[GG>C]AGATCTGCCTGTAATGCACAAAACAGTGAAGCAGTAATTCTGATTCCATGGATAAGTTTC-3'

ClinVar aggregate classification (germline): Pathogenic. Review status: criteria provided, multiple submitters, no conflicts (2 of 4 stars). 3 submissions from 3 submitters: Pathogenic (2). 1 of the submissions does not count toward it. Last evaluated 2025-07-15.

Conditions:
CHM-related disorders.
Retinal dystrophy. Also called: Inherited retinal dystrophy. Identifiers: Orphanet 71862, MedGen C0854723, MeSH D058499, MONDO:0019118, HP:0000556.

Submissions (3):

Labcorp Genetics (formerly Invitae), Labcorp
Classification: Pathogenic. Last evaluated: 2025-07-15. Review status: criteria provided, single submitter. Criteria: Invitae Variant Classification Sherloc (09022015). Collection method: clinical testing. Allele origin: germline.
Comment: This sequence change creates a premature translational stop signal (p.Ser453*) in the CHM gene. It is expected to result in an absent or disrupted protein product. Loss-of-function variants in CHM are known to be pathogenic (PMID: 9067750, 23811034). Information on the frequency of this variant in the gnomAD database is not available, as this variant may be reported differently in the database. This premature translational stop signal has been observed in individual(s) with choroideremia (PMID: 14566650). This variant is also known as REP1 1388_1389delCC. ClinVar contains an entry for this variant (Variation ID: 871860). For these reasons, this variant has been classified as Pathogenic.

Blueprint Genetics
Classification: Pathogenic for CHM-related disorders. Last evaluated: 2022-05-04. Review status: criteria provided, single submitter. Criteria: ACMG Guidelines, 2015. Collection method: clinical testing. Allele origin: germline. Affected: yes. Observed: 1 variant allele.

Institute of Human Genetics, Univ. Regensburg, Univ. Regensburg
Classification: Pathogenic for Retinal dystrophy. Last evaluated: 2019-01-01. Review status: no assertion criteria provided. Criteria: ACMG Guidelines, 2015. Collection method: clinical testing. Allele origin: germline. Affected: yes. Not counted in ClinVar's aggregate classification.

Literature cited by the submitters: PubMed 9067750 (cited by Labcorp Genetics (formerly Invitae), Labcorp); PubMed 23811034 (cited by Labcorp Genetics (formerly Invitae), Labcorp); PubMed 14566650 (cited by Labcorp Genetics (formerly Invitae), Labcorp).